The following is an entry in ClinVar:

NM_020821.3(VPS13C):c.6609+1G>A

Gene: VPS13C (vacuolar protein sorting 13 homolog C; minus strand). Cytogenetic location: 15q22.2.
Variant type: single nucleotide variant.
Coding change: c.6609+1G>A on transcript NM_020821.3 (MANE Select); the canonical splice donor site of the intron after coding-DNA position 6609, G replaced by A.
Molecular consequence: splice donor variant.
Genome position (GRCh38, 1-based): chr15:61,925,455, C>T on the plus strand (G>A on the coding strand, the complement: VPS13C is on the minus strand). VCF-style: chr15-61925455-C-T. GRCh37 (hg19) VCF-style: chr15-62217654-C-T.
Other names: c.6480+1G>A (NM_017684.5, NM_018080.4); c.6609+1G>A (NM_001018088.3).
Identifiers: ClinVar variation 4782052 (VCV004782052.1).

ClinVar aggregate classification (germline): Likely pathogenic (1 of 4 stars; one submission).

Submission:

Labcorp Genetics (formerly Invitae), Labcorp
Classification: Likely pathogenic. Last evaluated: 2025-10-17. Review status: criteria provided, single submitter. Criteria: Invitae Variant Classification Sherloc (09022015). Collection method: clinical testing. Allele origin: germline.
Comment: This sequence change affects a donor splice site in intron 53 of the VPS13C gene. It is expected to disrupt RNA splicing. Variants that disrupt the donor or acceptor splice site typically lead to a loss of protein function (PMID: 16199547), and loss-of-function variants in VPS13C are known to be pathogenic (PMID: 26942284, 34875562). This variant is not present in population databases (gnomAD no frequency). This variant has not been reported in the literature in individuals affected with VPS13C-related conditions. Algorithms developed to predict the effect of sequence changes on RNA splicing suggest that this variant may disrupt the consensus splice site. In summary, the currently available evidence indicates that the variant is pathogenic, but additional data are needed to prove that conclusively. Therefore, this variant has been classified as Likely Pathogenic.

Literature cited by the submitters: PubMed 16199547; PubMed 26942284; PubMed 34875562.